The following is an entry in ClinVar:

ClinVar aggregate classification (germline): Likely benign (0 of 4 stars; one submission).

Conditions:
KRT6B-related disorder. Also called: KRT6B-related condition.

Allele frequency attached by ClinVar (database versions not stated): TOPMed below 0.00001.

Submission:

PreventionGenetics, part of Exact Sciences
Classification: Likely benign for KRT6B-related condition. Last evaluated: 2021-11-30. Review status: no assertion criteria provided. Collection method: clinical testing. Allele origin: germline.
Comment: This variant is classified as likely benign based on ACMG/AMP sequence variant interpretation guidelines (Richards et al. 2015 PMID: 25741868, with internal and published modifications).

NM_005555.4(KRT6B):c.201C>T (p.Ser67=)

Gene: KRT6B (keratin 6B; minus strand). Cytogenetic location: 12q13.13.
Variant type: single nucleotide variant.
Coding change: c.201C>T on transcript NM_005555.4 (MANE Select); coding-DNA position 201, C replaced by T.
Protein change: p.Ser67=; no amino-acid change (serine 67 retained).
Molecular consequence: synonymous variant.
Genome position (GRCh38, 1-based): chr12:52,451,878, G>A on the plus strand (C>T on the coding strand, the complement: KRT6B is on the minus strand). VCF-style: chr12-52451878-G-A. GRCh37 (hg19) VCF-style: chr12-52845662-G-A.
Identifiers: ClinVar variation 3029480 (VCV003029480.2), dbSNP rs1940410482, ClinGen allele CA480068021.
Genomic context (GRCh38, chr12:52,451,878, plus strand): 5'-GGCTCTGCTGCCATAGCCGCCACTGATGGCACAGCTGCCCCCTCCAATGGAGATCCTCTT[G>A]GAGCCCCCCAGGCCATACAGACTGCGGCTGCCAAAGCCAGCTCCTCCACATGCGCCACCC-3'
Protein context (NP_005546.2, residues 57-77): GSRSLYGLGG[Ser67=]KRISIGGGSC